The following is an entry in ClinVar:

ClinVar aggregate classification (germline): Uncertain significance. Review status: criteria provided, multiple submitters, no conflicts (2 of 4 stars). 3 submissions from 3 submitters: Uncertain significance (3). Last evaluated 2025-09-22.

Conditions:
Neurodegeneration with brain iron accumulation 6 (NBIA6). Also called: COASY protein-associated neurodegeneration. Identifiers: Orphanet 397725, MedGen C4517377, MONDO:0014290, OMIM 615643.

Allele frequency attached by ClinVar (database versions not stated): ESP Exome Variant Server 0.00008; TOPMed 0.00005.
gnomAD v4.1: 46 of 1,613,820 alleles (0.0029%); highest among the groups gnomAD compares: Non-Finnish European, 0.0036%; no homozygotes.

Submissions (3):

Ambry Genetics
Classification: Uncertain significance. Last evaluated: 2025-09-22. Review status: criteria provided, single submitter. Criteria: Ambry Variant Classification Scheme 2023. Collection method: clinical testing. Allele origin: germline.

Labcorp Genetics (formerly Invitae), Labcorp
Classification: Uncertain significance for Neurodegeneration with brain iron accumulation 6. Last evaluated: 2022-06-04. Review status: criteria provided, single submitter. Criteria: Invitae Variant Classification Sherloc (09022015). Collection method: clinical testing. Allele origin: germline.
Comment: This sequence change replaces glycine, which is neutral and non-polar, with arginine, which is basic and polar, at codon 521 of the COASY protein (p.Gly521Arg). This variant is present in population databases (rs372563296, gnomAD 0.003%). This variant has not been reported in the literature in individuals affected with COASY-related conditions. ClinVar contains an entry for this variant (Variation ID: 648812). Algorithms developed to predict the effect of missense changes on protein structure and function are either unavailable or do not agree on the potential impact of this missense change (SIFT: "Deleterious"; PolyPhen-2: "Possibly Damaging"; Align-GVGD: "Class C0"). In summary, the available evidence is currently insufficient to determine the role of this variant in disease. Therefore, it has been classified as a Variant of Uncertain Significance.

GeneDx
Classification: Uncertain significance. Last evaluated: 2020-12-04. Review status: criteria provided, single submitter. Criteria: GeneDx Variant Classification Process June 2021. Collection method: clinical testing. Allele origin: germline. Affected: yes.
Comment: Not observed at a significant frequency in large population cohorts (Lek et al., 2016); In silico analysis supports that this variant does not alter protein structure/function; Has not been previously published as pathogenic or benign to our knowledge

NM_025233.7(COASY):c.1561G>A (p.Gly521Arg)

Gene: COASY (Coenzyme A synthase; plus strand). Cytogenetic location: 17q21.2.
Variant type: single nucleotide variant.
Coding change: c.1561G>A on transcript NM_025233.7 (MANE Select); coding-DNA position 1561, G replaced by A.
Protein change: p.Gly521Arg; replaces glycine 521 with arginine.
Molecular consequence: missense variant.
Genome position (GRCh38, 1-based): chr17:42,565,734, G>A. VCF-style: chr17-42565734-G-A. GRCh37 (hg19) VCF-style: chr17-40717752-G-A.
Other names: c.1648G>A (NM_001042532.2); c.1561G>A, p.Gly521Arg (NM_001042529.3); c.1648G>A, p.Gly550Arg (NM_001042532.4); short protein forms G550R, G521R.
Identifiers: ClinVar variation 648812 (VCV000648812.12), dbSNP rs372563296, ClinGen allele CA8578395.